The following is an entry in ClinVar:

ClinVar aggregate classification (germline): Uncertain significance (1 of 4 stars; one submission).

Conditions:
Fibrous dysplasia of jaw (CRBM). Also called: Cherubism. Identifiers: Orphanet 184, MedGen C0008029, MONDO:0007315, OMIM 118400.

Allele frequency attached by ClinVar (database versions not stated): gnomAD 0.00001.
gnomAD v4.1: 1 of 1,613,798 alleles (0.000062%); highest among the groups gnomAD compares: African/African-American, 0.0013%; no homozygotes.

Submission:

Labcorp Genetics (formerly Invitae), Labcorp
Classification: Uncertain significance for Fibrous dysplasia of jaw. Last evaluated: 2025-04-21. Review status: criteria provided, single submitter. Criteria: Invitae Variant Classification Sherloc (09022015). Collection method: clinical testing. Allele origin: germline.
Comment: This sequence change replaces arginine, which is basic and polar, with lysine, which is basic and polar, at codon 329 of the SH3BP2 protein (p.Arg329Lys). This variant is not present in population databases (gnomAD no frequency). This variant has not been reported in the literature in individuals affected with SH3BP2-related conditions. ClinVar contains an entry for this variant (Variation ID: 2183882). Invitae Evidence Modeling of protein sequence and biophysical properties (such as structural, functional, and spatial information, amino acid conservation, physicochemical variation, residue mobility, and thermodynamic stability) indicates that this missense variant is not expected to disrupt SH3BP2 protein function with a negative predictive value of 95%. In summary, the available evidence is currently insufficient to determine the role of this variant in disease. Therefore, it has been classified as a Variant of Uncertain Significance.

NM_001122681.2(SH3BP2):c.986G>A (p.Arg329Lys)

Gene: SH3BP2 (SH3 domain binding protein 2; plus strand). Cytogenetic location: 4p16.3.
Variant type: single nucleotide variant.
Coding change: c.986G>A on transcript NM_001122681.2 (MANE Select); coding-DNA position 986, G replaced by A.
Protein change: p.Arg329Lys; replaces arginine 329 with lysine.
Molecular consequence: missense variant.
Genome position (GRCh38, 1-based): chr4:2,829,892, G>A. VCF-style: chr4-2829892-G-A. GRCh37 (hg19) VCF-style: chr4-2831619-G-A.
Other names: c.1070G>A, p.Arg357Lys (NM_001145855.2); c.1157G>A, p.Arg386Lys (NM_001145856.2); c.986G>A, p.Arg329Lys (NM_003023.4); short protein forms R357K, R329K, R386K.
Identifiers: ClinVar variation 2183882 (VCV002183882.4), dbSNP rs747966569, ClinGen allele CA356056653.